The following is an entry in ClinVar:

NM_005726.6(TSFM):c.408_409del (p.Leu137fs)

Gene: TSFM (Ts translation elongation factor, mitochondrial; plus strand). Cytogenetic location: 12q14.1.
Variant type: Deletion.
Coding change: c.408_409del on transcript NM_005726.6 (MANE Select); coding-DNA positions 408 to 409, 2 bases deleted (GT; older notation c.408_409delGT).
Protein change: p.Leu137fs; shifts the reading frame from leucine 137.
Molecular consequence: frameshift variant.
Genome position (GRCh38, 1-based): chr12:57,787,087-57,787,088, GT deleted; deleting any 2 consecutive bases within chr12:57,787,086-57,787,088 gives the same sequence; the c. name uses the placement nearest the transcript's 3' end. VCF-style (leftmost placement, unchanged base first): chr12-57787085-CTG-C. GRCh37 (hg19) VCF-style: chr12-58180868-CTG-C.
Other names: c.408_409del, p.Leu137fs (NM_001172695.2, NM_001172696.2, NM_001172697.2); c.408_409delGT (NM_001172696.1); short protein forms L137fs.
Identifiers: ClinVar variation 946171 (VCV000946171.13), dbSNP rs1381664827, ClinGen allele CA605327889.

ClinVar aggregate classification (germline): Pathogenic/Likely pathogenic. Review status: criteria provided, multiple submitters, no conflicts (2 of 4 stars). 4 submissions from 4 submitters: Pathogenic (1); Likely pathogenic (3). Last evaluated 2025-12-22.

Conditions:
Fatal mitochondrial disease due to combined oxidative phosphorylation defect type 3. Also called: Combined oxidative phosphorylation deficiency 3; ENCEPHALOMYOPATHY, RESPIRATORY FAILURE, AND LACTIC ACIDOSIS. Identifiers: Orphanet 168566, MedGen C1864840, MONDO:0012512, OMIM 610505.
TSFM-related disorder. Also called: TSFM-related condition.

Submissions (4):

Natera, Inc.
Classification: Likely pathogenic for Combined oxidative phosphorylation deficiency 3. Last evaluated: 2025-12-22. Review status: criteria provided, single submitter. Criteria: Natera Variant Classification Schema (03/2026). Collection method: clinical testing. Allele origin: germline.
Comment: The c.408_409delGT variant in TSFM is a frameshift variant predicted to shift the reading frame beginning at codon 137 and leads to a stop codon 24 codons downstream. This variant is expected to result in nonsense mediated decay, truncation, or a dysfunctional protein product. This variant is rare in the general population with a frequency below the threshold expected for the associated phenotype(s). Given the available evidence, this variant is classified as Likely Pathogenic.

Labcorp Genetics (formerly Invitae), Labcorp
Classification: Pathogenic. Last evaluated: 2025-10-28. Review status: criteria provided, single submitter. Criteria: Invitae Variant Classification Sherloc (09022015). Collection method: clinical testing. Allele origin: germline.
Comment: This sequence change creates a premature translational stop signal (p.Leu137Glyfs*24) in the TSFM gene. It is expected to result in an absent or disrupted protein product. Loss-of-function variants in TSFM are known to be pathogenic (PMID: 17033963, 20435138, 25037205, 27677415). This variant is present in population databases (no rsID available, gnomAD 0.0009%). This premature translational stop signal has been observed in individual(s) with clinical features of combined oxidative phosphorylation deficiency (PMID: 30911037). ClinVar contains an entry for this variant (Variation ID: 946171). For these reasons, this variant has been classified as Pathogenic.

Fulgent Genetics
Classification: Likely pathogenic for Fatal mitochondrial disease due to combined oxidative phosphorylation defect type 3. Last evaluated: 2024-05-28. Review status: criteria provided, single submitter. Criteria: ACMG Guidelines, 2015. Collection method: clinical testing. Allele origin: germline.

Blueprint Genetics
Classification: Likely pathogenic for TSFM-related disorders. Last evaluated: 2021-03-12. Review status: criteria provided, single submitter. Criteria: ACMG Guidelines, 2015. Collection method: clinical testing. Allele origin: germline. Affected: yes. Observed: 3 variant alleles.

Literature cited by the submitters: PubMed 17033963 (cited by Labcorp Genetics (formerly Invitae), Labcorp); PubMed 20435138 (cited by Labcorp Genetics (formerly Invitae), Labcorp); PubMed 25037205 (cited by Labcorp Genetics (formerly Invitae), Labcorp); PubMed 27677415 (cited by Labcorp Genetics (formerly Invitae), Labcorp); PubMed 30911037 (cited by Labcorp Genetics (formerly Invitae), Labcorp).